The following is an entry in ClinVar:

NM_001375524.1(TRRAP):c.5574C>G (p.Asn1858Lys)

Gene: TRRAP (transformation/transcription domain associated protein; plus strand). Cytogenetic location: 7q22.1.
Variant type: single nucleotide variant.
Coding change: c.5574C>G on transcript NM_001375524.1 (MANE Select); coding-DNA position 5574, C replaced by G.
Protein change: p.Asn1858Lys; replaces asparagine 1858 with lysine.
Molecular consequence: missense variant.
Genome position (GRCh38, 1-based): chr7:98,953,277, C>G. VCF-style: chr7-98953277-C-G. GRCh37 (hg19) VCF-style: chr7-98550900-C-G.
Other names: c.5553C>G, p.Asn1851Lys (NM_001244580.2); c.5499C>G, p.Asn1833Lys (NM_003496.4); short protein forms N1833K, N1851K, N1858K.
Identifiers: ClinVar variation 3778696 (VCV003778696.5).

ClinVar aggregate classification (germline): Uncertain significance. Review status: criteria provided, multiple submitters, no conflicts (2 of 4 stars). 4 submissions from 4 submitters: Uncertain significance (4). Last evaluated 2026-08-06.

Conditions:
Developmental delay with or without dysmorphic facies and autism. Identifiers: MedGen C5193106, MONDO:0032760, OMIM 618454.

gnomAD v4.1: 4 of 1,613,944 alleles (0.00025%); highest among the groups gnomAD compares: Non-Finnish European, 0.00034%; no homozygotes.

Submissions (4):

OLLIN Analises Genomicas, OLLIN
Classification: Uncertain significance for Developmental delay with or without dysmorphic facies and autism. Last evaluated: 2026-08-06. Review status: criteria provided, single submitter. Criteria: ACMG Guidelines 2015 PMID 25741868. Collection method: clinical testing. Allele origin: germline. Inheritance: Autosomal dominant inheritance.
Comment: This missense variant, located in exon 40 (of 73), has been reported in ClinVar (accession VCV003778696.3) and in gnomAD with an allele frequency of 0.00025%. However, to our knowledge, it has not been reported in the scientific literature. In silico analysis is inconclusive regarding the impact of this variant. This gene is constrained for missense variation. According to the currently available evidence, this variant has been classified as uncertain significance (PM2_P, PP2).

Dasa
Classification: Uncertain significance. Last evaluated: 2026-03-28. Review status: criteria provided, single submitter. Criteria: DASA Assertion Criteria. Collection method: clinical testing. Allele origin: germline.
Comment: NM_001375524.1(TRRAP):c.5574C>G (p.Asn1858Lys) is a missense variant that results in the substitution of asparagine with lysine. This variant is rare in population databases. The currently available literature and clinical evidence are not sufficient to establish a definitive association between this variant and the reported condition. Therefore, this variant is classified as a variant of uncertain significance.

Labcorp Genetics (formerly Invitae), Labcorp
Classification: Uncertain significance. Last evaluated: 2025-11-04. Review status: criteria provided, single submitter. Criteria: Invitae Variant Classification Sherloc (09022015). Collection method: clinical testing. Allele origin: germline.
Comment: This sequence change replaces asparagine, which is neutral and polar, with lysine, which is basic and polar, at codon 1833 of the TRRAP protein (p.Asn1833Lys). This variant is not present in population databases (gnomAD no frequency). This variant has not been reported in the literature in individuals affected with TRRAP-related conditions. ClinVar contains an entry for this variant (Variation ID: 3778696). Invitae Evidence Modeling of protein sequence and biophysical properties (such as structural, functional, and spatial information, amino acid conservation, physicochemical variation, residue mobility, and thermodynamic stability) indicates that this missense variant is not expected to disrupt TRRAP protein function with a negative predictive value of 80%. In summary, the available evidence is currently insufficient to determine the role of this variant in disease. Therefore, it has been classified as a Variant of Uncertain Significance.

Medgenome Labs Ltd
Classification: Uncertain significance for Developmental delay with or without dysmorphic facies and autism. Last evaluated: 2025-04-07. Review status: criteria provided, single submitter. Criteria: ACMG Guidelines, 2015. Collection method: clinical testing. Allele origin: paternal. Affected: yes.